The following is an entry in ClinVar:

NM_004260.4(RECQL4):c.59G>A (p.Arg20Gln)

Genes: RECQL4 (RecQ like helicase 4; minus strand), LOC130001411 (ATAC-STARR-seq lymphoblastoid silent region 19699; plus strand). Cytogenetic location: 8q24.3.
Variant type: single nucleotide variant.
Coding change: c.59G>A on transcript NM_004260.4 (MANE Select); coding-DNA position 59, G replaced by A.
Protein change: p.Arg20Gln; replaces arginine 20 with glutamine.
Molecular consequence: missense variant.
Genome position (GRCh38, 1-based): chr8:144,517,726, C>T on the plus strand (G>A on the coding strand, the complement: RECQL4 is on the minus strand). VCF-style: chr8-144517726-C-T. GRCh37 (hg19) VCF-style: chr8-145743110-C-T.
Other names: c.59G>A, p.Arg20Gln (NM_001413029.1, NM_001413033.1, NM_001413036.1 and 6 more transcripts); c.-1140G>A (NM_001413030.1, NM_001413031.1, NM_001413041.1); c.-972G>A (NM_001413032.1); c.-982G>A (NM_001413034.1); c.-910G>A (NM_001413035.1); c.-1078G>A (NM_001413037.1, NM_001413038.1, NM_001413022.1 and 2 more transcripts); c.-983G>A (NM_001413040.1); c.59G>A (NM_004260.3); and 5 more; short protein forms R20Q.
Identifiers: ClinVar variation 2049212 (VCV002049212.5), dbSNP rs990552711, ClinGen allele CA372693753.
Genomic context (GRCh38, chr8:144,517,726, plus strand): 5'-CGCCCTCAGCCCCTCGGCCCCTGGGCAGCCCGCACCTGGCTCGGTCGCCGCCCGCGCTGC[C>T]GTCGGAACGCGCGCTCCCACGCCTGCAGCCGCTCCCGCACGTCCCGCAGCCGCTCCATGG-3'
Protein context (NP_004251.4, residues 10-30): RLQAWERAFR[Arg20Gln]QRGRRPSQDD

ClinVar aggregate classification (germline): Uncertain significance. Review status: criteria provided, multiple submitters, no conflicts (2 of 4 stars). 2 submissions from 2 submitters: Uncertain significance (2). Last evaluated 2025-12-21.

Conditions:
Baller-Gerold syndrome (BGS). Also called: CRANIOSYNOSTOSIS WITH RADIAL DEFECTS. Identifiers: Orphanet 1225, MedGen C0265308, MONDO:0009039, OMIM 218600.
Inborn genetic diseases. Identifiers: MedGen C0950123, MeSH D030342.

gnomAD v4.1: 3 of 1,352,168 alleles (0.00022%); highest among the groups gnomAD compares: South Asian, 0.0035%; no homozygotes.

Submissions (2):

Labcorp Genetics (formerly Invitae), Labcorp
Classification: Uncertain significance for Baller-Gerold syndrome. Last evaluated: 2025-12-21. Review status: criteria provided, single submitter. Criteria: Invitae Variant Classification Sherloc (09022015). Collection method: clinical testing. Allele origin: germline.
Comment: This sequence change replaces arginine, which is basic and polar, with glutamine, which is neutral and polar, at codon 20 of the RECQL4 protein (p.Arg20Gln). The frequency data for this variant in the population databases is considered unreliable, as metrics indicate poor data quality at this position in the gnomAD database. This variant has not been reported in the literature in individuals affected with RECQL4-related conditions. ClinVar contains an entry for this variant (Variation ID: 2049212). Experimental studies and prediction algorithms are not available or were not evaluated, and the functional significance of this variant is currently unknown. In summary, the available evidence is currently insufficient to determine the role of this variant in disease. Therefore, it has been classified as a Variant of Uncertain Significance.

Ambry Genetics
Classification: Uncertain significance for Inborn genetic diseases. Last evaluated: 2025-04-18. Review status: criteria provided, single submitter. Criteria: Ambry Variant Classification Scheme 2023. Collection method: clinical testing. Allele origin: germline.
Comment: The p.R20Q variant (also known as c.59G>A), located in coding exon 1 of the RECQL4 gene, results from a G to A substitution at nucleotide position 59. The arginine at codon 20 is replaced by glutamine, an amino acid with highly similar properties. This amino acid position is conserved. In addition, this alteration is predicted to be tolerated by in silico analysis. Based on the available evidence, the clinical significance of this variant remains unclear.